The following is an entry in ClinVar:

ClinVar aggregate classification (germline): Conflicting classifications of pathogenicity. Review status: criteria provided, conflicting classifications (1 of 4 stars). 3 submissions from 3 submitters: Uncertain significance (2); Likely benign (1). Last evaluated 2025-02-15.

Conditions:
Inborn genetic diseases. Identifiers: MedGen C0950123, MeSH D030342.

Allele frequency attached by ClinVar (database versions not stated): gnomAD 0.00002 and 0.00003; gnomAD exomes 0.00002 and 0.00004; ExAC 0.00008.
gnomAD v4.1: 20 of 1,204,579 alleles (0.0017%); highest among the groups gnomAD compares: Non-Finnish European, 0.0009%; no homozygotes.

Submissions (3):

Labcorp Genetics (formerly Invitae), Labcorp
Classification: Uncertain significance. Last evaluated: 2025-02-15. Review status: criteria provided, single submitter. Criteria: Invitae Variant Classification Sherloc (09022015). Collection method: clinical testing. Allele origin: germline.
Comment: This sequence change replaces serine, which is neutral and polar, with threonine, which is neutral and polar, at codon 92 of the NDP protein (p.Ser92Thr). This variant is present in population databases (rs772386222, gnomAD 0.02%). This variant has not been reported in the literature in individuals affected with NDP-related conditions. ClinVar contains an entry for this variant (Variation ID: 1474690). An algorithm developed to predict the effect of missense changes on protein structure and function outputs the following: PolyPhen-2: "Benign". The threonine amino acid residue is found in multiple mammalian species, which suggests that this missense change does not adversely affect protein function. In summary, the available evidence is currently insufficient to determine the role of this variant in disease. Therefore, it has been classified as a Variant of Uncertain Significance.

Blueprint Genetics
Classification: Likely benign. Last evaluated: 2023-03-29. Review status: criteria provided, single submitter. Criteria: ACMG Guidelines, 2015. Collection method: clinical testing. Allele origin: germline.

Ambry Genetics
Classification: Uncertain significance for Inborn genetic diseases. Last evaluated: 2015-09-08. Review status: criteria provided, single submitter. Criteria: Ambry Variant Classification Scheme 2023. Collection method: clinical testing. Allele origin: germline.
Comment: The p.S92T variant (also known as c.274T>A), located in coding exon 2 of the NDP gene, results from a T to A substitution at nucleotide position 274. The serine at codon 92 is replaced by threonine, an amino acid with similar properties. This variant was not reported in population based cohorts in the following databases: Database of Single Nucleotide Polymorphisms (dbSNP), NHLBI Exome Sequencing Project (ESP), and 1000 Genomes Project. In the ESP, this variant was not observed in 6500 samples with coverage at this position. This amino acid position is not conserved on species alignment with threonine as the amino acid observed in the reference sequence in 11 species, including one lower primate species (mouse lemur). In addition, this alteration is predicted to be tolerated by in silico analysis. Since supporting evidence is limited at this time, the clinical significance of this variant remains unclear.

Literature cited by the submitters: PubMed 20340138 (cited by Ambry Genetics).

NM_000266.4(NDP):c.274T>A (p.Ser92Thr)

Genes: NDP (norrin cystine knot growth factor NDP; minus strand), NDP-AS1 (NDP antisense RNA 1; plus strand). Cytogenetic location: Xp11.3.
Variant type: single nucleotide variant.
Coding change: c.274T>A on transcript NM_000266.4 (MANE Select); coding-DNA position 274, T replaced by A.
Protein change: p.Ser92Thr; replaces serine 92 with threonine.
Molecular consequence: missense variant. On other transcripts: non-coding transcript variant (1).
Genome position (GRCh38, 1-based): chrX:43,949,927, A>T on the plus strand (T>A on the coding strand, the complement: NDP is on the minus strand). VCF-style: chrX-43949927-A-T. GRCh37 (hg19) VCF-style: chrX-43809173-A-T.
Other names: short protein forms S92T.
Identifiers: ClinVar variation 1474690 (VCV001474690.9), dbSNP rs772386222, ClinGen allele CA10391408.